The following is an entry in ClinVar:

NM_000382.3(ALDH3A2):c.835T>A (p.Tyr279Asn)

Gene: ALDH3A2 (aldehyde dehydrogenase 3 family member A2; plus strand). Cytogenetic location: 17p11.2.
Variant type: single nucleotide variant.
Coding change: c.835T>A on transcript NM_000382.3 (MANE Select); coding-DNA position 835, T replaced by A.
Protein change: p.Tyr279Asn; replaces tyrosine 279 with asparagine.
Molecular consequence: missense variant.
Genome position (GRCh38, 1-based): chr17:19,661,163, T>A. VCF-style: chr17-19661163-T-A. GRCh37 (hg19) VCF-style: chr17-19564476-T-A.
Other names: c.835T>A, p.Tyr279Asn (NM_001031806.2, NM_001369136.1, NM_001369137.2 and 3 more transcripts); c.256T>A, p.Tyr86Asn (NM_001369148.2); short protein forms Y279N, Y86N.
Identifiers: ClinVar variation 430161 (VCV000430161.10), dbSNP rs72547570, ClinGen allele CA288550083.
Genomic context (GRCh38, chr17:19,661,163, plus strand): 5'-ATATACTCCTGTTGTTTTAAATAGGAATTTTATGGAGAAAATATAAAAGAGTCTCCTGAT[T>A]ATGAAAGGATCATCAATCTTCGTCATTTTAAGAGGATACTAAGTTTGCTTGAAGGACAAA-3'
Protein context (NP_000373.1, residues 269-289): YGENIKESPD[Tyr279Asn]ERIINLRHFK

ClinVar aggregate classification (germline): Pathogenic/Likely pathogenic. Review status: criteria provided, multiple submitters, no conflicts (2 of 4 stars). 3 submissions from 3 submitters: Pathogenic (2); Likely pathogenic (1). Last evaluated 2025-07-18.

Conditions:
Sjögren-Larsson syndrome (SLS). Also called: FALDH DEFICIENCY; FATTY ALCOHOL:NAD+ OXIDOREDUCTASE DEFICIENCY; FATTY ALDEHYDE DEHYDROGENASE DEFICIENCY; ICHTHYOSIS, SPASTIC NEUROLOGIC DISORDER, AND OLIGOPHRENIA. Identifiers: Orphanet 816, MedGen C0037231, MONDO:0010031, OMIM 270200.

gnomAD v4.1: 4 of 1,612,794 alleles (0.00025%); highest among the groups gnomAD compares: Non-Finnish European, 0.00034%; no homozygotes.

Submissions (3):

Natera, Inc.
Classification: Likely pathogenic for Sjögren-Larsson syndrome. Last evaluated: 2025-07-18. Review status: criteria provided, single submitter. Criteria: Natera Variant Classification Schema (03/2026). Collection method: clinical testing. Allele origin: germline.
Comment: The c.835T>A variant in ALDH3A2 is a missense variant predicted to cause substitution of tyrosine to asparagine at amino acid 279. This variant is rare in the general population with a frequency below the threshold expected for the associated phenotype(s). This variant has been observed in one or more individuals affected with the associated recessive disease, as either homozygous or compound heterozygous with a second variant (PMID: 24101836, 10854114). Functional studies show that this variant may disrupt protein function (PMID: 10577908). Computational prediction algorithms indicate this variant is likely to affect gene or protein function. Given the available evidence, this variant is classified as Likely Pathogenic.

GeneDx
Classification: Pathogenic. Last evaluated: 2024-04-29. Review status: criteria provided, single submitter. Criteria: GeneDx Variant Classification Process June 2021. Collection method: clinical testing. Allele origin: germline. Affected: yes.
Comment: Published functional studies demonstrate a damaging effect (less than 1% of FALDH-specific enzyme activity) (Rizzo et al., 1999); Not observed at significant frequency in large population cohorts (gnomAD); In silico analysis supports that this missense variant has a deleterious effect on protein structure/function; This variant is associated with the following publications: (PMID: 29899769, 10577908, 24101836, 25047030, 11306053, 30157790, 28543186, 10854114)

Labcorp Genetics (formerly Invitae), Labcorp
Classification: Pathogenic. Last evaluated: 2024-03-23. Review status: criteria provided, single submitter. Criteria: Invitae Variant Classification Sherloc (09022015). Collection method: clinical testing. Allele origin: germline.
Comment: This sequence change replaces tyrosine, which is neutral and polar, with asparagine, which is neutral and polar, at codon 279 of the ALDH3A2 protein (p.Tyr279Asn). This variant is not present in population databases (gnomAD no frequency). This missense change has been observed in individual(s) with Sjögren-Larsson syndrome (PMID: 10577908, 10854114, 24101836). In at least one individual the data is consistent with being in trans (on the opposite chromosome) from a pathogenic variant. ClinVar contains an entry for this variant (Variation ID: 430161). Advanced modeling of protein sequence and biophysical properties (such as structural, functional, and spatial information, amino acid conservation, physicochemical variation, residue mobility, and thermodynamic stability) performed at Invitae indicates that this missense variant is expected to disrupt ALDH3A2 protein function with a positive predictive value of 80%. Experimental studies have shown that this missense change affects ALDH3A2 function (PMID: 10577908). For these reasons, this variant has been classified as Pathogenic.

Literature cited by the submitters: PubMed 24101836 (cited by Natera, Inc. and Labcorp Genetics (formerly Invitae), Labcorp); PubMed 10854114 (cited by Natera, Inc. and Labcorp Genetics (formerly Invitae), Labcorp); PubMed 10577908 (cited by Natera, Inc. and Labcorp Genetics (formerly Invitae), Labcorp).